The following is an entry in ClinVar:

ClinVar aggregate classification (germline): Conflicting classifications of pathogenicity. Review status: criteria provided, conflicting classifications (1 of 4 stars). 4 submissions from 4 submitters: Uncertain significance (3); Likely benign (1). Last evaluated 2025-12-13.

Conditions:
Hereditary diffuse gastric adenocarcinoma (HDGC). Also called: DIFFUSE GASTRIC AND LOBULAR BREAST CANCER SYNDROME. Identifiers: Orphanet 26106, MedGen C1708349, MONDO:0007648, OMIM 137215.
Hereditary cancer-predisposing syndrome. Also called: Tumor predisposition; Hereditary neoplastic syndrome; Neoplastic Syndromes, Hereditary; Hereditary Cancer Syndrome. Identifiers: Orphanet 140162, MedGen C0027672, MeSH D009386, MONDO:0015356.

gnomAD v4.1: 1 of 1,613,966 alleles (0.000062%); highest among the groups gnomAD compares: East Asian, 0.0022%; no homozygotes.

Submissions (4):

Labcorp Genetics (formerly Invitae), Labcorp
Classification: Uncertain significance for Hereditary diffuse gastric adenocarcinoma. Last evaluated: 2025-12-13. Review status: criteria provided, single submitter. Criteria: Invitae Variant Classification Sherloc (09022015). Collection method: clinical testing. Allele origin: germline.
Comment: This sequence change replaces alanine, which is neutral and non-polar, with valine, which is neutral and non-polar, at codon 691 of the CDH1 protein (p.Ala691Val). This variant is not present in population databases (gnomAD no frequency). This variant has not been reported in the literature in individuals affected with CDH1-related conditions. ClinVar contains an entry for this variant (Variation ID: 927094). An algorithm developed to predict the effect of missense changes on protein structure and function outputs the following: PolyPhen-2: "Benign". The valine amino acid residue is found in multiple mammalian species, which suggests that this missense change does not adversely affect protein function. In summary, the available evidence is currently insufficient to determine the role of this variant in disease. Therefore, it has been classified as a Variant of Uncertain Significance.

Ambry Genetics
Classification: Likely benign for Hereditary cancer-predisposing syndrome. Last evaluated: 2024-08-26. Review status: criteria provided, single submitter. Criteria: Ambry Variant Classification Scheme 2023. Collection method: clinical testing. Allele origin: germline.

GeneDx
Classification: Uncertain significance. Last evaluated: 2023-05-30. Review status: criteria provided, single submitter. Criteria: GeneDx Variant Classification Process June 2021. Collection method: clinical testing. Allele origin: germline. Affected: yes.
Comment: Not observed at significant frequency in large population cohorts (gnomAD); In silico analysis supports that this missense variant does not alter protein structure/function; Has not been previously published as pathogenic or benign to our knowledge; This variant is associated with the following publications: (PMID: 15235021, 22850631)

Color Diagnostics, LLC DBA Color Health
Classification: Uncertain significance for Hereditary cancer-predisposing syndrome. Last evaluated: 2020-01-02. Review status: criteria provided, single submitter. Criteria: ACMG Guidelines, 2015. Collection method: clinical testing. Allele origin: germline.
Comment: This missense variant replaces alanine with valine at codon 691 of the CDH1 protein. Computational prediction tool suggests that this variant may not impact protein structure and function (internally defined REVEL score threshold ≤0.5, PMID: 27666373). Splice site prediction tools suggest that this variant may not impact RNA splicing. To our knowledge, functional studies have not been performed for this variant. This variant has not been reported in individuals affected with hereditary cancer in the literature. This variant has not been identified in the general population by the Genome Aggregation Database (gnomAD). The available evidence is insufficient to determine the role of this variant in disease conclusively. Therefore, this variant is classified as a Variant of Uncertain Significance.

Literature cited by the submitters: PubMed 26437033 (cited by Ambry Genetics).

NM_004360.5(CDH1):c.2072C>T (p.Ala691Val)

Gene: CDH1 (cadherin 1; plus strand). Cytogenetic location: 16q22.1.
Variant type: single nucleotide variant.
Coding change: c.2072C>T on transcript NM_004360.5 (MANE Select); coding-DNA position 2072, C replaced by T.
Protein change: p.Ala691Val; replaces alanine 691 with valine.
Molecular consequence: missense variant.
Genome position (GRCh38, 1-based): chr16:68,823,534, C>T. VCF-style: chr16-68823534-C-T. GRCh37 (hg19) VCF-style: chr16-68857437-C-T.
Other names: c.1889C>T, p.Ala630Val (NM_001317184.2); c.524C>T, p.Ala175Val (NM_001317185.2); c.107C>T, p.Ala36Val (NM_001317186.2); short protein forms A691V, A630V, A175V, A36V.
Identifiers: ClinVar variation 927094 (VCV000927094.15), dbSNP rs569086883, ClinGen allele CA396467799.